The following is an entry in ClinVar:

NM_000088.4(COL1A1):c.298+4C>T

Gene: COL1A1 (collagen type I alpha 1 chain; minus strand). Cytogenetic location: 17q21.33.
Variant type: single nucleotide variant.
Coding change: c.298+4C>T on transcript NM_000088.4 (MANE Select); 4 bases into the intron after coding-DNA position 298, C replaced by T.
Molecular consequence: intron variant.
Genome position (GRCh38, 1-based): chr17:50,199,749, G>A on the plus strand (C>T on the coding strand, the complement: COL1A1 is on the minus strand). VCF-style: chr17-50199749-G-A. GRCh37 (hg19) VCF-style: chr17-48277110-G-A.
Identifiers: ClinVar variation 4803916 (VCV004803916.1).

ClinVar aggregate classification (germline): Uncertain significance (1 of 4 stars; one submission).

Conditions:
Osteogenesis imperfecta type I (OI1). Also called: OI, TYPE I; OSTEOGENESIS IMPERFECTA TARDA; OSTEOGENESIS IMPERFECTA WITH BLUE SCLERAE; Lobstein's Disease; Osteogenesis imperfecta type 1; Classic Non-deforming Osteogenesis Imperfecta with Blue Sclerae. Identifiers: Orphanet 216796, Orphanet 666, MedGen C0023931, MONDO:0008146, OMIM 166200. Disease mechanism: loss of function.

Submission:

Labcorp Genetics (formerly Invitae), Labcorp
Classification: Uncertain significance for Osteogenesis imperfecta type I. Last evaluated: 2025-09-10. Review status: criteria provided, single submitter. Criteria: Invitae Variant Classification Sherloc (09022015). Collection method: clinical testing. Allele origin: germline.
Comment: This sequence change falls in intron 2 of the COL1A1 gene. It does not directly change the encoded amino acid sequence of the COL1A1 protein. It affects a nucleotide within the consensus splice site. This variant is present in population databases (rs369006429, gnomAD 0.01%). This variant has not been reported in the literature in individuals affected with COL1A1-related conditions. Variants that disrupt the consensus splice site are a relatively common cause of aberrant splicing (PMID: 17576681, 9536098). Algorithms developed to predict the effect of sequence changes on RNA splicing suggest that this variant is not likely to affect RNA splicing. In summary, the available evidence is currently insufficient to determine the role of this variant in disease. Therefore, it has been classified as a Variant of Uncertain Significance.

Literature cited by the submitters: PubMed 17576681; PubMed 9536098.